The following is an entry in ClinVar:

NM_152269.5(MTRFR):c.307del (p.Gln103fs)

Gene: MTRFR (mitochondrial translation release factor in rescue; plus strand). Cytogenetic location: 12q24.31.
Variant type: Deletion.
Coding change: c.307del on transcript NM_152269.5 (MANE Select); coding-DNA position 307, one base deleted (C; older notation c.307delC).
Protein change: p.Gln103fs; shifts the reading frame from glutamine 103.
Molecular consequence: frameshift variant.
Genome position (GRCh38, 1-based): chr12:123,256,837, C deleted. VCF-style (leftmost placement, unchanged base first): chr12-123256836-TC-T. GRCh37 (hg19) VCF-style: chr12-123741383-TC-T.
Other names: c.307del, p.Gln103fs (NM_001143905.2, NM_001194995.1); short protein forms Q103fs.
Identifiers: ClinVar variation 834522 (VCV000834522.9), dbSNP rs2048187051, ClinGen allele CA916083340.
Genomic context (GRCh38, chr12:123,256,836, plus strand): 5'-CTGTGGTTTTCACATTATAAAATATTATCTCTTACAGTGCCATCAGACAAGATCAGTTGA[TC>T]AGAACAGAAAGCTAGCTCGGAAAATCCTACAAGAGAAAGTAGATGTTTTCTACAATGGTG-3'

ClinVar aggregate classification (germline): Pathogenic (1 of 4 stars; one submission).

Conditions:
Combined oxidative phosphorylation defect type 7. Identifiers: Orphanet 254930, MedGen C3150801, MONDO:0013306, OMIM 613559.
Spastic paraplegia. Identifiers: MedGen C0037772, HP:0001258.

Submission:

Labcorp Genetics (formerly Invitae), Labcorp
Classification: Pathogenic for Combined oxidative phosphorylation defect type 7; Spastic paraplegia. Last evaluated: 2020-01-23. Review status: criteria provided, single submitter. Criteria: Invitae Variant Classification Sherloc (09022015). Collection method: clinical testing. Allele origin: germline.
Comment: For these reasons, this variant has been classified as Pathogenic. This variant disrupts the C-terminus of the C12orf65 protein. Other variant(s) that disrupt this region (p.Lys138Argfs*17) have been determined to be pathogenic (PMID: 24424123). This suggests that variants that disrupt this region of the protein are likely to be causative of disease. This sequence change results in a premature translational stop signal in the C12orf65 gene (p.Gln103Argfs*5). While this is not anticipated to result in nonsense mediated decay, it is expected to disrupt the last 64 amino acids of the C12orf65 protein. This variant is not present in population databases (ExAC no frequency). This variant has not been reported in the literature in individuals with C12orf65-related conditions.

Literature cited by the submitters: PubMed 24424123.